The following is an entry in ClinVar:

ClinVar aggregate classification (germline): Uncertain significance (1 of 4 stars; one submission).

gnomAD v4.1: 2 of 1,613,682 alleles (0.00012%); no homozygotes.

Submission:

Labcorp Genetics (formerly Invitae), Labcorp
Classification: Uncertain significance. Last evaluated: 2024-06-26. Review status: criteria provided, single submitter. Criteria: Invitae Variant Classification Sherloc (09022015). Collection method: clinical testing. Allele origin: germline.
Comment: This sequence change replaces isoleucine, which is neutral and non-polar, with valine, which is neutral and non-polar, at codon 43 of the AP3D1 protein (p.Ile43Val). This variant is not present in population databases (gnomAD no frequency). This variant has not been reported in the literature in individuals affected with AP3D1-related conditions. An algorithm developed to predict the effect of missense changes on protein structure and function (PolyPhen-2) suggests that this variant is likely to be disruptive. In summary, the available evidence is currently insufficient to determine the role of this variant in disease. Therefore, it has been classified as a Variant of Uncertain Significance.

NM_001261826.3(AP3D1):c.127A>G (p.Ile43Val)

Gene: AP3D1 (adaptor related protein complex 3 subunit delta 1; minus strand). Cytogenetic location: 19p13.3.
Variant type: single nucleotide variant.
Coding change: c.127A>G on transcript NM_001261826.3 (MANE Select); coding-DNA position 127, A replaced by G.
Protein change: p.Ile43Val; replaces isoleucine 43 with valine.
Molecular consequence: missense variant.
Genome position (GRCh38, 1-based): chr19:2,138,684, T>C on the plus strand (A>G on the coding strand, the complement: AP3D1 is on the minus strand). VCF-style: chr19-2138684-T-C. GRCh37 (hg19) VCF-style: chr19-2138683-T-C.
Other names: c.127A>G, p.Ile43Val (NM_001374799.1, NM_003938.8); short protein forms I43V.
Identifiers: ClinVar variation 3658017 (VCV003658017.2).